The following is an entry in ClinVar:

NM_006846.4(SPINK5):c.2113-68T>C

Gene: SPINK5 (serine peptidase inhibitor Kazal type 5; plus strand). Cytogenetic location: 5q32.
Variant type: single nucleotide variant.
Coding change: c.2113-68T>C on transcript NM_006846.4 (MANE Select); 68 bases into the intron before coding-DNA position 2113, T replaced by C.
Molecular consequence: intron variant.
Genome position (GRCh38, 1-based): chr5:148,118,369, T>C. VCF-style: chr5-148118369-T-C. GRCh37 (hg19) VCF-style: chr5-147497932-T-C.
Other names: c.2113-68T>C (NM_001127698.2, NM_001127699.2).
Identifiers: ClinVar variation 1181921 (VCV001181921.4), dbSNP rs3777135, ClinGen allele CA11984316.

ClinVar aggregate classification (germline): Benign. Review status: criteria provided, multiple submitters, no conflicts (2 of 4 stars). 2 submissions from 2 submitters: Benign (2). Last evaluated 2024-01-24.

Allele frequency attached by ClinVar (database versions not stated): 1000 Genomes Project 30x 0.48829; 1000 Genomes Project 0.48982; TOPMed 0.53621; gnomAD 0.54145 and 0.54196; gnomAD exomes 0.60728.
gnomAD v4.1: 964,815 of 1,607,250 alleles (60%); highest among the groups gnomAD compares: Admixed American, 70%; 294,792 homozygotes.

Submissions (2):

Unidad de Genómica Garrahan, Hospital de Pediatría Garrahan
Classification: Benign. Last evaluated: 2024-01-24. Review status: criteria provided, single submitter. Criteria: ACMG Guidelines, 2015. Collection method: clinical testing. Allele origin: germline. Affected: no. Observed: 80 variant alleles.
Comment: This variant is classified as Benign based on local population frequency. This variant was detected in 91% of patients studied by a panel of primary immunodeficiencies. Number of patients: 80. Only high quality variants are reported.

GeneDx
Classification: Benign. Last evaluated: 2015-03-03. Review status: criteria provided, single submitter. Criteria: GeneDx Variant Classification Process June 2021. Collection method: clinical testing. Allele origin: germline. Affected: yes.